The following is an entry in ClinVar:

ClinVar aggregate classification (germline): Likely benign. Review status: criteria provided, multiple submitters, no conflicts (2 of 4 stars). 6 submissions from 6 submitters: Likely benign (6). Last evaluated 2026-01-14.

Conditions:
TTN-related disorder. Also called: TTN-related disorders; TTN-related condition; TTN-related disease.
Cardiovascular phenotype. Identifiers: MedGen CN230736.
Autosomal recessive limb-girdle muscular dystrophy type 2J (LGMDR10). Also called: Limb-girdle muscular dystrophy, type 2J; MUSCULAR DYSTROPHY, LIMB-GIRDLE, AUTOSOMAL RECESSIVE 10. Identifiers: Orphanet 140922, MedGen C1837342, MONDO:0012127, OMIM 608807.
Dilated cardiomyopathy 1G (CMD1G). Identifiers: Orphanet 154, MedGen C1858763, MONDO:0011400, OMIM 604145.

Allele frequency attached by ClinVar (database versions not stated): gnomAD exomes 0.00002 and 0.00010; ESP Exome Variant Server 0.00008; TOPMed 0.00010; ExAC 0.00013; gnomAD 0.00013 and 0.00014.
gnomAD v4.1: 56 of 1,613,624 alleles (0.0035%); highest among the groups gnomAD compares: African/African-American, 0.031%; no homozygotes.

Submissions (6):

Labcorp Genetics (formerly Invitae), Labcorp
Classification: Likely benign for Dilated cardiomyopathy 1G; Autosomal recessive limb-girdle muscular dystrophy type 2J. Last evaluated: 2026-01-14. Review status: criteria provided, single submitter. Criteria: Invitae Variant Classification Sherloc (09022015). Collection method: clinical testing. Allele origin: germline.

PreventionGenetics, part of Exact Sciences
Classification: Likely benign for TTN-related condition. Last evaluated: 2025-05-07. Review status: criteria provided, single submitter. Criteria: ACMG Guidelines, 2015. Collection method: clinical testing. Allele origin: germline.
Comment: This variant is classified as likely benign based on ACMG/AMP sequence variant interpretation guidelines (Richards et al. 2015 PMID: 25741868, with internal and published modifications).

Blueprint Genetics
Classification: Likely benign. Last evaluated: 2024-02-09. Review status: criteria provided, single submitter. Criteria: ACMG Guidelines, 2015. Collection method: clinical testing. Allele origin: germline.

GeneDx
Classification: Likely benign. Last evaluated: 2021-02-05. Review status: criteria provided, single submitter. Criteria: GeneDx Variant Classification Process June 2021. Collection method: clinical testing. Allele origin: germline. Affected: yes.

ARUP Laboratories, Molecular Genetics and Genomics, ARUP Laboratories
Classification: Likely benign. Last evaluated: 2020-06-23. Review status: criteria provided, single submitter. Criteria: ARUP Molecular Germline Variant Investigation Process. Collection method: clinical testing. Allele origin: germline.

Ambry Genetics
Classification: Likely benign for Cardiovascular phenotype. Last evaluated: 2020-03-06. Review status: criteria provided, single submitter. Criteria: Ambry Variant Classification Scheme 2023. Collection method: clinical testing. Allele origin: germline.

NM_001267550.2(TTN):c.102102C>T (p.Phe34034=)

Genes: TTN (titin; minus strand), TTN-AS1 (TTN antisense RNA 1; plus strand). Cytogenetic location: 2q31.2.
Variant type: single nucleotide variant.
Coding change: c.102102C>T on transcript NM_001267550.2 (MANE Select); coding-DNA position 102102, C replaced by T.
Protein change: p.Phe34034=; no amino-acid change (phenylalanine 34034 retained).
Molecular consequence: synonymous variant.
Genome position (GRCh38, 1-based): chr2:178,534,513, G>A on the plus strand (C>T on the coding strand, the complement: TTN is on the minus strand). VCF-style: chr2-178534513-G-A. GRCh37 (hg19) VCF-style: chr2-179399240-G-A.
Other names: c.97179C>T, p.Phe32393= (NM_001256850.1); c.74907C>T, p.Phe24969= (NM_003319.4); c.94398C>T, p.Phe31466= (NM_133378.4); c.75282C>T, p.Phe25094= (NM_133432.3); c.75483C>T, p.Phe25161= (NM_133437.4).
Identifiers: ClinVar variation 413223 (VCV000413223.24), dbSNP rs377354934, ClinGen allele CA1985811.